The following is an entry in ClinVar:

NM_015100.4(POGZ):c.3679G>A (p.Val1227Met)

Gene: POGZ (pogo transposable element derived with ZNF domain; minus strand). Cytogenetic location: 1q21.3.
Variant type: single nucleotide variant.
Coding change: c.3679G>A on transcript NM_015100.4 (MANE Select); coding-DNA position 3679, G replaced by A.
Protein change: p.Val1227Met; replaces valine 1227 with methionine.
Molecular consequence: missense variant.
Genome position (GRCh38, 1-based): chr1:151,405,356, C>T on the plus strand (G>A on the coding strand, the complement: POGZ is on the minus strand). VCF-style: chr1-151405356-C-T. GRCh37 (hg19) VCF-style: chr1-151377832-C-T.
Other names: c.3652G>A, p.Val1218Met (NM_001194937.2); c.3493G>A, p.Val1165Met (NM_001194938.2); c.3394G>A, p.Val1132Met (NM_145796.4); c.3520G>A, p.Val1174Met (NM_207171.2); short protein forms V1165M, V1218M, V1132M, V1174M, V1227M.
Identifiers: ClinVar variation 861008 (VCV000861008.10), dbSNP rs1034210154, ClinGen allele CA341940535.
Genomic context (GRCh38, chr1:151,405,356, plus strand): 5'-TAGAGGCACTAAGCATAGCCAGTACCTCTTCTGACAAGTGAGTGCGATGACAGTCCATCA[C>T]AAGCATGCCTTTGCTGCGCTGGCAAGCTGTGTGCTTCTGCCACACTCGAGTTGACCACAG-3'
Protein context (NP_055915.2, residues 1217-1237): TACQRSKGML[Val1227Met]MDCHRTHLSE

ClinVar aggregate classification (germline): Uncertain significance. Review status: criteria provided, multiple submitters, no conflicts (2 of 4 stars). 2 submissions from 2 submitters: Uncertain significance (2). Last evaluated 2026-09-01.

Submissions (2):

CeGaT Center for Human Genetics Tuebingen
Classification: Uncertain significance. Last evaluated: 2026-09-01. Review status: criteria provided, single submitter. Criteria: CeGaT Center For Human Genetics Tuebingen Variant Classification Criteria Version 2. Collection method: clinical testing. Allele origin: germline. Affected: yes. Observed: 1 variant allele.
Comment: POGZ: PM2, PP2

Labcorp Genetics (formerly Invitae), Labcorp
Classification: Uncertain significance. Last evaluated: 2023-02-14. Review status: criteria provided, single submitter. Criteria: Invitae Variant Classification Sherloc (09022015). Collection method: clinical testing. Allele origin: germline.
Comment: In summary, the available evidence is currently insufficient to determine the role of this variant in disease. Therefore, it has been classified as a Variant of Uncertain Significance. Advanced modeling of protein sequence and biophysical properties (such as structural, functional, and spatial information, amino acid conservation, physicochemical variation, residue mobility, and thermodynamic stability) performed at Invitae indicates that this missense variant is not expected to disrupt POGZ protein function. ClinVar contains an entry for this variant (Variation ID: 861008). This variant has not been reported in the literature in individuals affected with POGZ-related conditions. This variant is not present in population databases (gnomAD no frequency). This sequence change replaces valine, which is neutral and non-polar, with methionine, which is neutral and non-polar, at codon 1227 of the POGZ protein (p.Val1227Met).